The following is an entry in ClinVar:

ClinVar aggregate classification (germline): Uncertain significance (1 of 4 stars; one submission).

Conditions:
Hereditary cancer-predisposing syndrome. Also called: Hereditary Cancer Syndrome; Neoplastic Syndromes, Hereditary; Tumor predisposition; Hereditary neoplastic syndrome. Identifiers: Orphanet 140162, MedGen C0027672, MeSH D009386, MONDO:0015356.

gnomAD v4.1: 3 of 1,613,328 alleles (0.00019%); highest among the groups gnomAD compares: Non-Finnish European, 0.00017%; no homozygotes.

Submission:

Ambry Genetics
Classification: Uncertain significance for Hereditary cancer-predisposing syndrome. Last evaluated: 2026-09-08. Review status: criteria provided, single submitter. Criteria: Ambry Variant Classification Scheme 2023. Collection method: clinical testing. Allele origin: germline.
Comment: The c.890-5C>T intronic variant results from a C to T substitution 5 nucleotides upstream from coding exon 8 in the EGFR gene. This nucleotide position is not well conserved in available vertebrate species. In silico splice site analysis predicts that this alteration will not have any significant effect on splicing. Based on the available evidence, the clinical significance of this variant remains unclear.

NM_005228.5(EGFR):c.890-5C>T

Gene: EGFR (epidermal growth factor receptor; plus strand). Cytogenetic location: 7p11.2.
Variant type: single nucleotide variant.
Coding change: c.890-5C>T on transcript NM_005228.5 (MANE Select); 5 bases into the intron before coding-DNA position 890, C replaced by T.
Molecular consequence: intron variant.
Genome position (GRCh38, 1-based): chr7:55,155,825, C>T. VCF-style: chr7-55155825-C-T. GRCh37 (hg19) VCF-style: chr7-55223518-C-T.
Other names: c.755-5C>T (NM_001346899.2, NM_001346897.2); c.89-5C>T (NM_001346941.2); c.890-5C>T (NM_001346898.2, NM_201284.2, NM_201282.2 and 1 more transcripts); c.731-5C>T (NM_001346900.2).
Identifiers: ClinVar variation 5035839 (VCV005035839.1).
Genomic context (GRCh38, chr7:55,155,825, plus strand): 5'-GCCTGTGTGAGGCCCGAGCACCTGGTGCCACCGTCATCACCTTCCTTTCATGCTCTCTTC[C>T]CCAGGTAATTATGTGGTGACAGATCACGGCTCGTGCGTCCGAGCCTGTGGGGCCGACAGC-3'